The following is an entry in ClinVar:

ClinVar aggregate classification (germline): Conflicting classifications of pathogenicity. Review status: criteria provided, conflicting classifications (1 of 4 stars). 2 submissions from 2 submitters: Uncertain significance (1); Likely benign (1). Last evaluated 2023-10-10.

Conditions:
Neuronopathy, distal hereditary motor, type 7A. Also called: NEURONOPATHY, DISTAL HEREDITARY MOTOR, HARDING TYPE VIIA; NEUROPATHY, DISTAL HEREDITARY MOTOR, HARDING TYPE VIIA; Neuronopathy, distal hereditary motor, autosomal dominant 7; Neuronopathy, distal hereditary motor, type viia; HARPER-YOUNG MYOPATHY; HMN VIIA. Identifiers: Orphanet 139589, MedGen C1834703, MONDO:0008024, OMIM 158580.
Congenital myasthenic syndrome 20. Also called: Myasthenic syndrome, congenital, 20, presynaptic. Identifiers: MedGen C4310694, MONDO:0014939, OMIM 617143.
Inborn genetic diseases. Identifiers: MedGen C0950123, MeSH D030342.

Allele frequency attached by ClinVar (database versions not stated): gnomAD exomes below 0.00001.
gnomAD v4.1: 4 of 1,613,984 alleles (0.00025%); highest among the groups gnomAD compares: East Asian, 0.0022%; no homozygotes.

Submissions (2):

Labcorp Genetics (formerly Invitae), Labcorp
Classification: Uncertain significance for Neuronopathy, distal hereditary motor, type 7A; Congenital myasthenic syndrome 20. Last evaluated: 2023-10-10. Review status: criteria provided, single submitter. Criteria: Invitae Variant Classification Sherloc (09022015). Collection method: clinical testing. Allele origin: germline.
Comment: This sequence change replaces isoleucine, which is neutral and non-polar, with valine, which is neutral and non-polar, at codon 494 of the SLC5A7 protein (p.Ile494Val). This variant is not present in population databases (gnomAD no frequency). This variant has not been reported in the literature in individuals affected with SLC5A7-related conditions. ClinVar contains an entry for this variant (Variation ID: 2542724). Advanced modeling of protein sequence and biophysical properties (such as structural, functional, and spatial information, amino acid conservation, physicochemical variation, residue mobility, and thermodynamic stability) performed at Invitae indicates that this missense variant is not expected to disrupt SLC5A7 protein function. In summary, the available evidence is currently insufficient to determine the role of this variant in disease. Therefore, it has been classified as a Variant of Uncertain Significance.

Ambry Genetics
Classification: Likely benign for Inborn genetic diseases. Last evaluated: 2023-05-03. Review status: criteria provided, single submitter. Criteria: Ambry Variant Classification Scheme 2023. Collection method: clinical testing. Allele origin: germline.

NM_021815.5(SLC5A7):c.1480A>G (p.Ile494Val)

Gene: SLC5A7 (solute carrier family 5 member 7; plus strand). Cytogenetic location: 2q12.3.
Variant type: single nucleotide variant.
Coding change: c.1480A>G on transcript NM_021815.5 (MANE Select); coding-DNA position 1480, A replaced by G.
Protein change: p.Ile494Val; replaces isoleucine 494 with valine.
Molecular consequence: missense variant.
Genome position (GRCh38, 1-based): chr2:108,010,598, A>G. VCF-style: chr2-108010598-A-G. GRCh37 (hg19) VCF-style: chr2-108627054-A-G.
Other names: c.1480A>G, p.Ile494Val (NM_001305005.3); c.1165A>G, p.Ile389Val (NM_001305006.3); c.739A>G, p.Ile247Val (NM_001305007.3); short protein forms I389V, I494V, I247V.
Identifiers: ClinVar variation 2542724 (VCV002542724.5), dbSNP rs1558872822, ClinGen allele CA348114672.